The following is an entry in ClinVar:

NM_018718.3(CEP41):c.423-2A>G

Gene: CEP41 (centrosomal protein 41; minus strand). Cytogenetic location: 7q32.2.
Variant type: single nucleotide variant.
Coding change: c.423-2A>G on transcript NM_018718.3 (MANE Select); the canonical splice acceptor site of the intron before coding-DNA position 423, A replaced by G.
Molecular consequence: splice acceptor variant.
Genome position (GRCh38, 1-based): chr7:130,402,801, T>C on the plus strand (A>G on the coding strand, the complement: CEP41 is on the minus strand). VCF-style: chr7-130402801-T-C. GRCh37 (hg19) VCF-style: chr7-130042642-T-C.
Other names: c.375-2A>G (NM_001257159.2); c.423-2A>G (NM_001257158.2).
Identifiers: ClinVar variation 954659 (VCV000954659.13), dbSNP rs781815473, ClinGen allele CA369289006.

ClinVar aggregate classification (germline): Pathogenic. Review status: criteria provided, single submitter (1 of 4 stars). 4 submissions from 4 submitters: Pathogenic (1). 3 of the submissions do not count toward it. Last evaluated 2024-05-20.

Conditions:
Joubert syndrome 15 (JBTS15). Identifiers: Orphanet 475, MedGen C3280897, MONDO:0013763, OMIM 614464.
CEP41-related disorder. Also called: CEP41-related condition.

Allele frequency attached by ClinVar (database versions not stated): TOPMed 0.00001.
gnomAD v4.1: 36 of 1,613,980 alleles (0.0022%); highest among the groups gnomAD compares: Non-Finnish European, 0.003%; no homozygotes.

Submissions (4):

Labcorp Genetics (formerly Invitae), Labcorp
Classification: Pathogenic for Joubert syndrome 15. Last evaluated: 2024-05-20. Review status: criteria provided, single submitter. Criteria: Invitae Variant Classification Sherloc (09022015). Collection method: clinical testing. Allele origin: germline.
Comment: This sequence change affects an acceptor splice site in intron 6 of the CEP41 gene. It is expected to disrupt RNA splicing. Variants that disrupt the donor or acceptor splice site typically lead to a loss of protein function (PMID: 16199547), and loss-of-function variants in CEP41 are known to be pathogenic (PMID: 22246503). This variant is present in population databases (no rsID available, gnomAD 0.0009%). Disruption of this splice site has been observed in individual(s) with Joubert syndrome (PMID: 22246503). ClinVar contains an entry for this variant (Variation ID: 954659). Algorithms developed to predict the effect of sequence changes on RNA splicing suggest that this variant may disrupt the consensus splice site. For these reasons, this variant has been classified as Pathogenic.

PreventionGenetics, part of Exact Sciences
Classification: Likely pathogenic for CEP41-related condition. Last evaluated: 2024-09-18. Review status: no assertion criteria provided. Collection method: clinical testing. Allele origin: germline. Not counted in ClinVar's aggregate classification.
Comment: The CEP41 c.423-2A>G variant is predicted to disrupt the AG splice acceptor site and interfere with normal splicing. To our knowledge, this variant has not been reported in the literature. This variant is reported in 0.00088% of alleles in individuals of European (non-Finnish) descent in gnomAD. Variants that disrupt the consensus splice acceptor site in CEP41 are expected to be pathogenic. This variant is interpreted as likely pathogenic.

Clinical Genetics DNA and cytogenetics Diagnostics Lab, Erasmus MC, Erasmus Medical Center
Classification: Uncertain significance. Review status: no assertion criteria provided. Collection method: clinical testing. Allele origin: germline. Affected: yes. Study: VKGL Data-share Consensus. Not counted in ClinVar's aggregate classification.

Laboratory of Diagnostic Genome Analysis, Leiden University Medical Center (LUMC)
Classification: Uncertain significance. Review status: no assertion criteria provided. Collection method: clinical testing. Allele origin: germline. Affected: yes. Study: VKGL Data-share Consensus. Not counted in ClinVar's aggregate classification.

Literature cited by the submitters: PubMed 16199547 (cited by Labcorp Genetics (formerly Invitae), Labcorp); PubMed 22246503 (cited by Labcorp Genetics (formerly Invitae), Labcorp).